The following is an entry in ClinVar:

NM_024996.7(GFM1):c.324C>A (p.Tyr108Ter)

Gene: GFM1 (G elongation factor mitochondrial 1; plus strand). Cytogenetic location: 3q25.32.
Variant type: single nucleotide variant.
Coding change: c.324C>A on transcript NM_024996.7 (MANE Select); coding-DNA position 324, C replaced by A.
Protein change: p.Tyr108Ter; replaces tyrosine 108 with a stop codon.
Molecular consequence: nonsense. On other transcripts: non-coding transcript variant (3), intron variant (4).
Genome position (GRCh38, 1-based): chr3:158,646,254, C>A. VCF-style: chr3-158646254-C-A. GRCh37 (hg19) VCF-style: chr3-158364043-C-A.
Other names: c.324C>A, p.Tyr108Ter (NM_001308164.2, NM_001308166.2, NM_001374355.1 and 1 more transcripts); c.99C>A, p.Tyr33Ter (NM_001374357.1); c.5+473C>A (NM_001374359.1, NM_001374360.1, NM_001374361.1); c.234+473C>A (NM_001374358.1); short protein forms Y108*, Y33*.
Identifiers: ClinVar variation 936114 (VCV000936114.9), dbSNP rs1391874523, ClinGen allele CA355175613.

ClinVar aggregate classification (germline): Pathogenic (1 of 4 stars; one submission).

Allele frequency attached by ClinVar (database versions not stated): TOPMed 0.00001.

Submission:

Labcorp Genetics (formerly Invitae), Labcorp
Classification: Pathogenic. Last evaluated: 2024-03-04. Review status: criteria provided, single submitter. Criteria: Invitae Variant Classification Sherloc (09022015). Collection method: clinical testing. Allele origin: germline.
Comment: This sequence change creates a premature translational stop signal (p.Tyr108*) in the GFM1 gene. It is expected to result in an absent or disrupted protein product. Loss-of-function variants in GFM1 are known to be pathogenic (PMID: 16632485, 17160893). This variant is not present in population databases (gnomAD no frequency). This variant has not been reported in the literature in individuals affected with GFM1-related conditions. ClinVar contains an entry for this variant (Variation ID: 936114). For these reasons, this variant has been classified as Pathogenic.

Literature cited by the submitters: PubMed 16632485; PubMed 17160893.